The following is an entry in ClinVar:

NC_000016.10:g.67660326G>A

Gene: ACD (ACD shelterin complex subunit and telomerase recruitment factor; minus strand). Cytogenetic location: 16q22.1.
Variant type: single nucleotide variant.
Genome position: GRCh38 VCF-style: chr16-67660326-G-A. GRCh37 (hg19) VCF-style: chr16-67694229-G-A.
Identifiers: ClinVar variation 1774803 (VCV001774803.28), dbSNP rs1207134820, ClinGen allele CA496088551.
Genomic context (GRCh38, chr16:67,660,326, plus strand): 5'-GGGCGCCCAGGCCCCGCCTTTCCTCGGAAGAGGAAGCTCCTTCGCTGGGCGGGGCCGGAG[G>A]AGGAGGCCCCGCCCACGTACACCCCGCGCCTGCGCACGAGGGCGTCCTGCTCGGGGGCCT-3'

ClinVar aggregate classification (germline): Likely benign. Review status: criteria provided, multiple submitters, no conflicts (2 of 4 stars). 3 submissions from 3 submitters: Likely benign (3). Last evaluated 2025-12-22.

Conditions:
Inborn genetic diseases. Identifiers: MedGen C0950123, MeSH D030342.
Dyskeratosis congenita, autosomal dominant 6 (DKCA6). Identifiers: Orphanet 3322, MedGen C4225284, MONDO:0014690, OMIM 616553.

Allele frequency attached by ClinVar (database versions not stated): TOPMed 0.00001; gnomAD exomes below 0.00001.

Submissions (3):

Labcorp Genetics (formerly Invitae), Labcorp
Classification: Likely benign for Dyskeratosis congenita, autosomal dominant 6. Last evaluated: 2025-12-22. Review status: criteria provided, single submitter. Criteria: Invitae Variant Classification Sherloc (09022015). Collection method: clinical testing. Allele origin: germline.

CeGaT Center for Human Genetics Tuebingen
Classification: Likely benign. Last evaluated: 2023-07-01. Review status: criteria provided, single submitter. Criteria: CeGaT Center For Human Genetics Tuebingen Variant Classification Criteria Version 2. Collection method: clinical testing. Allele origin: germline. Affected: yes. Observed: 1 variant allele.
Comment: ACD: BP4, BP7

Ambry Genetics
Classification: Likely benign for Inborn genetic diseases. Last evaluated: 2022-02-12. Review status: criteria provided, single submitter. Criteria: Ambry Variant Classification Scheme 2023. Collection method: clinical testing. Allele origin: germline.